The following is an entry in ClinVar:

ClinVar aggregate classification (germline): Uncertain significance (1 of 4 stars; one submission).

Conditions:
Hereditary cancer-predisposing syndrome. Also called: Neoplastic Syndromes, Hereditary; Tumor predisposition; Hereditary neoplastic syndrome; Hereditary Cancer Syndrome. Identifiers: Orphanet 140162, MedGen C0027672, MeSH D009386, MONDO:0015356.

Submission:

Ambry Genetics
Classification: Uncertain significance for Hereditary cancer-predisposing syndrome. Last evaluated: 2024-02-12. Review status: criteria provided, single submitter. Criteria: Ambry Variant Classification Scheme 2023. Collection method: clinical testing. Allele origin: germline.
Comment: The c.1089_1090delCTinsAC variant (also known as p.F363_S364delinsLP), located in coding exon 7 of the DICER1 gene, results from an in-frame deletion of CT and insertion of AC at nucleotide positions 1089 to 1090. This results in the deletion of 2 residues (FS) and the insertion of 2 residues (LP) at codons 363 to 364. These amino acid positions are highly conserved in available vertebrate species. In addition, the in silico prediction for this alteration is inconclusive (Choi Y et al. PLoS ONE. 2012; 7(10):e46688). Based on the available evidence, the clinical significance of this alteration remains unclear.

NM_177438.3(DICER1):c.1089_1090delinsAC (p.Phe363_Ser364delinsLeuPro)

Gene: DICER1 (dicer 1, ribonuclease III; minus strand). Cytogenetic location: 14q32.13.
Variant type: Indel.
Coding change: c.1089_1090delinsAC on transcript NM_177438.3 (MANE Select); coding-DNA positions 1089 to 1090, CT replaced by AC.
Protein change: p.Phe363_Ser364delinsLeuPro.
Molecular consequence: missense variant. On other transcripts: 5 prime UTR variant (1), non-coding transcript variant (6).
Genome position (GRCh38, 1-based): chr14:95,124,482-95,124,483, AG replaced by GT on the plus strand (CT replaced by AC on the coding strand, the reverse complement: DICER1 is on the minus strand). VCF-style: chr14-95124482-AG-GT. GRCh37 (hg19) VCF-style: chr14-95590819-AG-GT.
Other names: c.684_685delinsAC, p.Phe228_Ser229delinsLeuPro (NM_001395687.1, NM_001395688.1, NM_001395689.1 and 3 more transcripts); c.522_523delinsAC, p.Phe174_Ser175delinsLeuPro (NM_001395691.1); c.1089_1090delinsAC, p.Phe363_Ser364delinsLeuPro (NM_001395692.1, NM_001395693.1, NM_001395694.1 and 14 more transcripts); c.-480_-479delinsAC (NM_001395697.1); c.1089_1090delCTinsAC, p.Phe363_Ser364delinsLeuPro (NM_001395681.1); c.807_808delinsAC, p.Phe269_Ser270delinsLeuPro (NM_001395686.1).
Identifiers: ClinVar variation 3229303 (VCV003229303.1), dbSNP rs2543181513, ClinGen allele CA2825002257.